The following is an entry in ClinVar:

ClinVar aggregate classification (germline): Uncertain significance. Review status: criteria provided, multiple submitters, no conflicts (2 of 4 stars). 3 submissions from 3 submitters: Uncertain significance (3). Last evaluated 2025-11-07.

Conditions:
Norman-Roberts syndrome (LIS2). Also called: Lissencephaly 2 (Norman-Roberts type). Identifiers: Orphanet 89844, MedGen C0796089, MONDO:0009760, OMIM 257320.
Familial temporal lobe epilepsy 7. Identifiers: Orphanet 101046, MedGen C4225327, MONDO:0014639, OMIM 616436.

Allele frequency attached by ClinVar (database versions not stated): gnomAD exomes below 0.00001 and 0.00001; TOPMed below 0.00001; ExAC 0.00001.
gnomAD v4.1: 15 of 1,614,168 alleles (0.00093%); highest among the groups gnomAD compares: South Asian, 0.0022%; no homozygotes.

Submissions (3):

Labcorp Genetics (formerly Invitae), Labcorp
Classification: Uncertain significance for Familial temporal lobe epilepsy 7; Norman-Roberts syndrome. Last evaluated: 2025-11-07. Review status: criteria provided, single submitter. Criteria: Invitae Variant Classification Sherloc (09022015). Collection method: clinical testing. Allele origin: germline.
Comment: This sequence change replaces aspartic acid, which is acidic and polar, with asparagine, which is neutral and polar, at codon 1479 of the RELN protein (p.Asp1479Asn). This variant is present in population databases (rs781311212, gnomAD 0.0009%). This variant has not been reported in the literature in individuals affected with RELN-related conditions. ClinVar contains an entry for this variant (Variation ID: 949588). Invitae Evidence Modeling of protein sequence and biophysical properties (such as structural, functional, and spatial information, amino acid conservation, physicochemical variation, residue mobility, and thermodynamic stability) indicates that this missense variant is not expected to disrupt RELN protein function with a negative predictive value of 80%. In summary, the available evidence is currently insufficient to determine the role of this variant in disease. Therefore, it has been classified as a Variant of Uncertain Significance.

Blueprint Genetics
Classification: Uncertain significance. Last evaluated: 2024-10-02. Review status: criteria provided, single submitter. Criteria: ACMG Guidelines, 2015. Collection method: clinical testing. Allele origin: germline.

CeGaT Center for Human Genetics Tuebingen
Classification: Uncertain significance. Last evaluated: 2021-07-01. Review status: criteria provided, single submitter. Criteria: CeGaT Center For Human Genetics Tuebingen Variant Classification Criteria Version 2. Collection method: clinical testing. Allele origin: germline. Affected: yes. Observed: 1 variant allele.

NM_005045.4(RELN):c.4435G>A (p.Asp1479Asn)

Gene: RELN (reelin; minus strand). Cytogenetic location: 7q22.1.
Variant type: single nucleotide variant.
Coding change: c.4435G>A on transcript NM_005045.4 (MANE Select); coding-DNA position 4435, G replaced by A.
Protein change: p.Asp1479Asn; replaces aspartic acid 1479 with asparagine.
Molecular consequence: missense variant.
Genome position (GRCh38, 1-based): chr7:103,574,168, C>T on the plus strand (G>A on the coding strand, the complement: RELN is on the minus strand). VCF-style: chr7-103574168-C-T. GRCh37 (hg19) VCF-style: chr7-103214615-C-T.
Other names: c.4435G>A, p.Asp1479Asn (NM_173054.3); short protein forms D1479N.
Identifiers: ClinVar variation 949588 (VCV000949588.44), dbSNP rs781311212, ClinGen allele CA4421523.
Genomic context (GRCh38, chr7:103,574,168, plus strand): 5'-CCAGAGGGACCGTCCGGGCTTCCCTTTTCCCAGGGCCATTGAAGTAGAGAGATTTGCCAT[C>T]GTTAAGTGTTCCACAGCCAGTTCCAACCTGGGCACCTGTTATCTTGTACCACAGAGGGCT-3'
Protein context (NP_005036.2, residues 1469-1489): QVGTGCGTLN[Asp1479Asn]GKSLYFNGPG